The following is an entry in ClinVar:

NM_001039876.3(SYNE4):c.1196A>G (p.Asn399Ser)

Gene: SYNE4 (spectrin repeat containing nuclear envelope family member 4; minus strand). Cytogenetic location: 19q13.12.
Variant type: single nucleotide variant.
Coding change: c.1196A>G on transcript NM_001039876.3 (MANE Select); coding-DNA position 1196, A replaced by G.
Protein change: p.Asn399Ser; replaces asparagine 399 with serine.
Molecular consequence: missense variant.
Genome position (GRCh38, 1-based): chr19:36,003,356, T>C on the plus strand (A>G on the coding strand, the complement: SYNE4 is on the minus strand). VCF-style: chr19-36003356-T-C. GRCh37 (hg19) VCF-style: chr19-36494258-T-C.
Other names: c.857A>G, p.Asn286Ser (NM_001297735.3); short protein forms N286S, N399S.
Identifiers: ClinVar variation 1810548 (VCV001810548.1), dbSNP rs377564349, ClinGen allele CA9393732.

ClinVar aggregate classification (germline): Uncertain significance (1 of 4 stars; one submission).

Allele frequency attached by ClinVar (database versions not stated): gnomAD 0.00001; ExAC 0.00002; TOPMed 0.00002; ESP Exome Variant Server 0.00008; gnomAD exomes 0.00008.

Submission:

GeneDx
Classification: Uncertain significance. Last evaluated: 2022-07-08. Review status: criteria provided, single submitter. Criteria: GeneDx Variant Classification Process June 2021. Collection method: clinical testing. Allele origin: germline. Affected: yes.
Comment: Not observed at significant frequency in large population cohorts (gnomAD); In silico analysis supports that this missense variant has a deleterious effect on protein structure/function; Has not been previously published as pathogenic or benign to our knowledge